The following is an entry in ClinVar:

NM_002691.4(POLD1):c.1040C>T (p.Pro347Leu)

Gene: POLD1 (DNA polymerase delta 1, catalytic subunit; plus strand). Cytogenetic location: 19q13.33.
Variant type: single nucleotide variant.
Coding change: c.1040C>T on transcript NM_002691.4 (MANE Select); coding-DNA position 1040, C replaced by T.
Protein change: p.Pro347Leu; replaces proline 347 with leucine.
Molecular consequence: missense variant. On other transcripts: non-coding transcript variant (1).
Genome position (GRCh38, 1-based): chr19:50,403,122, C>T. VCF-style: chr19-50403122-C-T. GRCh37 (hg19) VCF-style: chr19-50906379-C-T.
Other names: c.1040C>T, p.Pro347Leu (NM_001256849.1, NM_001308632.1); short protein forms P347L.
Identifiers: ClinVar variation 408024 (VCV000408024.64), dbSNP rs2230243, ClinGen allele CA9596009.

ClinVar aggregate classification (germline): Uncertain significance. Review status: criteria provided, multiple submitters, no conflicts (2 of 4 stars). 7 submissions from 7 submitters: Uncertain significance (6). 1 of the submissions does not count toward it. Last evaluated 2026-01-23.

Conditions:
POLD1-related disorder. Also called: POLD1-related condition; POLD1-related disorders.
Mandibular hypoplasia-deafness-progeroid syndrome. Also called: Mandibular hypoplasia, deafness, progeroid features, and lipodystrophy syndrome. Identifiers: Orphanet 363649, MedGen C3715192, MONDO:0014157, OMIM 615381.
POLD1-related polyposis and colorectal cancer syndrome (CRCS10). Also called: COLORECTAL CANCER, SUSCEPTIBILITY TO, ON CHROMOSOME 19q; Colorectal cancer 10; Colorectal cancer, susceptibility to, 10. Identifiers: Orphanet 220460, MedGen C2675481, MONDO:0012953, OMIM 612591.
Hereditary cancer-predisposing syndrome. Also called: Tumor predisposition; Hereditary neoplastic syndrome; Hereditary Cancer Syndrome; Neoplastic Syndromes, Hereditary. Identifiers: Orphanet 140162, MedGen C0027672, MeSH D009386, MONDO:0015356.

Allele frequency attached by ClinVar (database versions not stated): ExAC 0.00004; gnomAD 0.00004 and 0.00006; gnomAD exomes 0.00004 and 0.00007; TOPMed 0.00005; 1000 Genomes Project 30x 0.00031.
gnomAD v4.1: 109 of 1,563,104 alleles (0.007%); highest among the groups gnomAD compares: South Asian, 0.012%; no homozygotes.

Submissions (7):

Labcorp Genetics (formerly Invitae), Labcorp
Classification: Uncertain significance for POLD1-related polyposis and colorectal cancer syndrome. Last evaluated: 2026-01-23. Review status: criteria provided, single submitter. Criteria: Invitae Variant Classification Sherloc (09022015). Collection method: clinical testing. Allele origin: germline.
Comment: This sequence change replaces proline, which is neutral and non-polar, with leucine, which is neutral and non-polar, at codon 347 of the POLD1 protein (p.Pro347Leu). This variant is present in population databases (rs2230243, gnomAD 0.008%). This missense change has been observed in individual(s) with colorectal cancer and/or endometrial cancer (PMID: 25559809, 32424176). ClinVar contains an entry for this variant (Variation ID: 408024). Invitae Evidence Modeling of protein sequence and biophysical properties (such as structural, functional, and spatial information, amino acid conservation, physicochemical variation, residue mobility, and thermodynamic stability) indicates that this missense variant is not expected to disrupt POLD1 protein function with a negative predictive value of 80%. In summary, the available evidence is currently insufficient to determine the role of this variant in disease. Therefore, it has been classified as a Variant of Uncertain Significance.

GeneDx
Classification: Uncertain significance. Last evaluated: 2025-05-12. Review status: criteria provided, single submitter. Criteria: GeneDx Variant Classification Process June 2021. Collection method: clinical testing. Allele origin: germline. Affected: yes.
Comment: In silico analysis suggests that this missense variant does not alter protein structure/function; Observed in individuals with colorectal cancer and/or endometrial cancer (PMID: 25559809, 32424176); This variant is associated with the following publications: (PMID: 25559809, 15766587, 29056344, 29120461, 32424176, 20951805)

Ambry Genetics
Classification: Uncertain significance for Hereditary cancer-predisposing syndrome. Last evaluated: 2025-03-29. Review status: criteria provided, single submitter. Criteria: Ambry Variant Classification Scheme 2023. Collection method: clinical testing. Allele origin: germline.
Comment: The p.P347L variant (also known as c.1040C>T), located in coding exon 8 of the POLD1 gene, results from a C to T substitution at nucleotide position 1040. The proline at codon 347 is replaced by leucine, an amino acid with similar properties. This amino acid position is not well conserved in available vertebrate species. In addition, this alteration is predicted to be tolerated by in silico analysis. Based on the available evidence, the clinical significance of this variant remains unclear.

Quest Diagnostics Nichols Institute San Juan Capistrano
Classification: Uncertain significance. Last evaluated: 2023-08-29. Review status: criteria provided, single submitter. Criteria: Quest Diagnostics criteria. Collection method: clinical testing. Allele origin: unknown.
Comment: The frequency of this variant in the general population, 0.000073 (5/68286 chromosomes (Genome Aggregation Database)), is uninformative in the assessment of its pathogenicity. Analysis of this variant using bioinformatics tools for the prediction of the effect of amino acid changes on protein structure and function yielded predictions that this variant is benign. Based on the available information, we are unable to determine the clinical significance of this variant.

Sema4
Classification: Uncertain significance for Hereditary cancer-predisposing syndrome. Last evaluated: 2021-09-09. Review status: criteria provided, single submitter. Criteria: Sema4 Curation Guidelines. Collection method: curation. Allele origin: germline.
Comment: The POLD1 c.1040C>T (p.P347L) variant has been reported in 3 individuals with colorectal cancer, endometrial and colorectal cancer, advanced adenoma (PMIDs 25559809, 32424176, 33436027). This variant was observed in 2/23648 chromosomes in the South Asian population according to the Genome Aggregation Database (PMID: 32461654). This variant has been reported in ClinVar (Variation ID 408024). In silico tools suggest the impact of the variant on protein function is benign, though these predictions have not been confirmed by functional studies. The overall evidence is insufficient to meet ACMG/AMP criteria for classifying it as benign or pathogenic. In summary, the clinical significance of this variant is currently uncertain.

CeGaT Center for Human Genetics Tuebingen
Classification: Uncertain significance. Last evaluated: 2020-01-01. Review status: criteria provided, single submitter. Criteria: CeGaT Center For Human Genetics Tuebingen Variant Classification Criteria Version 2. Collection method: clinical testing. Allele origin: germline. Affected: yes. Observed: 1 variant allele.

PreventionGenetics, part of Exact Sciences
Classification: Uncertain significance for POLD1-related condition. Last evaluated: 2024-09-10. Review status: no assertion criteria provided. Collection method: clinical testing. Allele origin: germline. Not counted in ClinVar's aggregate classification.
Comment: The POLD1 c.1040C>T variant is predicted to result in the amino acid substitution p.Pro347Leu. This variant has been reported in at least one individual with rectal cancer (Chubb et al. 2015. PubMed ID: 25559809. This variant is reported in 0.0085% of alleles in individuals of South Asian descent in gnomAD. The ClinVar database lists this variant as uncertain. At this time, the clinical significance of this variant is uncertain due to the absence of conclusive functional and genetic evidence.

Literature cited by the submitters: PubMed 25559809 (cited by 3 submitters); PubMed 32424176 (cited by 3 submitters); PubMed 29056344 (cited by Quest Diagnostics Nichols Institute San Juan Capistrano); PubMed 29120461 (cited by Quest Diagnostics Nichols Institute San Juan Capistrano); PubMed 33436027 (cited by Quest Diagnostics Nichols Institute San Juan Capistrano).